The following is an entry in ClinVar:

NM_002474.3(MYH11):c.1957G>A (p.Val653Met)

Gene: MYH11 (myosin heavy chain 11; minus strand). Cytogenetic location: 16p13.11.
Variant type: single nucleotide variant.
Coding change: c.1957G>A on transcript NM_002474.3 (MANE Select); coding-DNA position 1957, G replaced by A.
Protein change: p.Val653Met; replaces valine 653 with methionine.
Molecular consequence: missense variant.
Genome position (GRCh38, 1-based): chr16:15,750,239, C>T on the plus strand (G>A on the coding strand, the complement: MYH11 is on the minus strand). VCF-style: chr16-15750239-C-T. GRCh37 (hg19) VCF-style: chr16-15844096-C-T.
Other names: c.1978G>A, p.Val660Met (NM_001040113.2, NM_001040114.2); c.1957G>A, p.Val653Met (NM_022844.3); short protein forms V653M, V660M.
Identifiers: ClinVar variation 3387226 (VCV003387226.1).
Genomic context (GRCh38, chr16:15,750,239, plus strand): 5'-GCGTGGTGTTGCGTAGCGTGGTCATCAGCTTGCCCAGCTGCTCCTTGTACAGCTGCCCCA[C>T]TGTGCGGAACATGCCCTTCTTGGTCTTGGAGGCGCTGGGCAGCGAGCTCTCCGTCATCTT-3'
Protein context (NP_002465.1, residues 643-663): SKTKKGMFRT[Val653Met]GQLYKEQLGK

ClinVar aggregate classification (germline): Uncertain significance (1 of 4 stars; one submission).

Conditions:
Familial thoracic aortic aneurysm and aortic dissection (TAAD). Also called: Thoracic aortic aneurysms and dissections. Identifiers: Orphanet 91387, MedGen C4707243, MONDO:0019625.

Submission:

All of Us Research Program, National Institutes of Health
Classification: Uncertain significance for Familial thoracic aortic aneurysm and aortic dissection. Last evaluated: 2024-03-05. Review status: criteria provided, single submitter. Criteria: ACMG Guidelines, 2015. Collection method: clinical testing. Allele origin: germline. Inheritance: Autosomal dominant inheritance. Observed: 1 variant allele, 1 heterozygote.
Comment: This study involves interpretation of variants in research participants for the purpose of population health screening. Participant phenotype was not available at the time of variant classification. Additional details can be found in publication PMID: 35346344, PMCID: PMC8962531